The following is an entry in ClinVar:

ClinVar aggregate classification (germline): Uncertain significance (1 of 4 stars; one submission).

Conditions:
Amyotrophic lateral sclerosis type 4 (ALS4). Also called: AMYOTROPHIC LATERAL SCLEROSIS 4, JUVENILE; NEURONOPATHY, DISTAL HEREDITARY MOTOR, WITH PYRAMIDAL FEATURES. Identifiers: Orphanet 357043, MedGen C1865409, MONDO:0011223, OMIM 602433.
Spinocerebellar ataxia, autosomal recessive, with axonal neuropathy 2 (SCAN2). Also called: Ataxia-ocular apraxia-2; Ataxia with Oculomotor Apraxia Type 2; ATAXIA-OCULOMOTOR APRAXIA 2; Ataxia with Oculomotor Apraxia. Identifiers: Orphanet 64753, MedGen C1853761, MONDO:0018996, OMIM 606002.

Submission:

Labcorp Genetics (formerly Invitae), Labcorp
Classification: Uncertain significance for Amyotrophic lateral sclerosis type 4; Spinocerebellar ataxia, autosomal recessive, with axonal neuropathy 2. Last evaluated: 2022-09-12. Review status: criteria provided, single submitter. Criteria: Invitae Variant Classification Sherloc (09022015). Collection method: clinical testing. Allele origin: germline.
Comment: This variant has not been reported in the literature in individuals affected with SETX-related conditions. In summary, the available evidence is currently insufficient to determine the role of this variant in disease. Therefore, it has been classified as a Variant of Uncertain Significance. Experimental studies and prediction algorithms are not available or were not evaluated, and the functional significance of this variant is currently unknown. This variant is a gross deletion of the genomic region encompassing exon(s) 20 of the SETX gene. This variant would be expected to be in-frame, preserving the integrity of the reading frame.

NC_000009.11:g.(?_135156834)_(135156981_?)del

Gene: SETX (senataxin; minus strand). Cytogenetic location: 9q34.13.
Variant type: Deletion.
Identifiers: ClinVar variation 1447311 (VCV001447311.7).